The following is an entry in ClinVar:

ClinVar aggregate classification (germline): Pathogenic (1 of 4 stars; one submission).

Conditions:
Bainbridge-Ropers syndrome. Also called: Severe feeding difficulties-failure to thrive-microcephaly due to ASXL3 deficiency syndrome. Identifiers: Orphanet 352577, MedGen C4750837, MONDO:0014205, OMIM 615485.

Submission:

Applied Translational Genetics Group, University of Auckland
Classification: Pathogenic for Bainbridge-Ropers syndrome. Last evaluated: 2025-10-08. Review status: criteria provided, single submitter. Criteria: ACMG Guidelines, 2015. Collection method: research. Allele origin: de novo. Inheritance: Autosomal dominant inheritance. Affected: yes. Observed: 1 heterozygote.
Comment: NM_030632.3:c.1490_1493dup is a a nonsense mutation in ASXL3 which results in a premature stop codon at position 498likely results in an absent or disrupted protein product (PVS1). The variant has been identified as a de novo occurrence in a family without family history, but without confirmation of paternity and maternity (PM6). The variant is absent in the gnomAD population database, as would be expected for a rare genetic condition such as Bainbridge-Ropers syndrome (PM2). In summary, this variant meets criteria to be classified as pathogenic for Bainbridge-Ropers syndrome based on the ACMG/AMP criteria applied: PVS1, PM2, PM6, PP4

Literature cited by the submitters: PubMed 40756852.

NM_030632.3(ASXL3):c.1490_1493dup (p.Asn498delinsLysTer)

Gene: ASXL3 (ASXL transcriptional regulator 3; plus strand). Cytogenetic location: 18q12.1.
Variant type: Duplication.
Coding change: c.1490_1493dup on transcript NM_030632.3 (MANE Select); coding-DNA positions 1490 to 1493, 4 bases duplicated (ATAA; older notation c.1490_1493dupATAA).
Protein change: p.Asn498delinsLysTer.
Molecular consequence: nonsense.
Genome position (GRCh38, 1-based): chr18:33,738,894-33,738,897, ATAA duplicated. VCF-style (leftmost placement, unchanged base first): chr18-33738893-G-GATAA. GRCh37 (hg19) VCF-style: chr18-31318857-G-GATAA.
Identifiers: ClinVar variation 4280598 (VCV004280598.1).